The following is an entry in ClinVar:

NM_015295.3(SMCHD1):c.1304A>G (p.Asp435Gly)

Gene: SMCHD1 (structural maintenance of chromosomes flexible hinge domain containing 1; plus strand). Cytogenetic location: 18p11.32.
Variant type: single nucleotide variant.
Coding change: c.1304A>G on transcript NM_015295.3 (MANE Select); coding-DNA position 1304, A replaced by G.
Protein change: p.Asp435Gly; replaces aspartic acid 435 with glycine.
Molecular consequence: missense variant.
Genome position (GRCh38, 1-based): chr18:2,698,003, A>G. VCF-style: chr18-2698003-A-G. GRCh37 (hg19) VCF-style: chr18-2698001-A-G.
Other names: c.1304A>G (NM_015295.2); short protein forms D435G.
Identifiers: ClinVar variation 1721125 (VCV001721125.8), dbSNP rs2074320083, ClinGen allele CA401697927.

ClinVar aggregate classification (germline): Uncertain significance. Review status: criteria provided, multiple submitters, no conflicts (2 of 4 stars). 2 submissions from 2 submitters: Uncertain significance (2). Last evaluated 2023-11-07.

Conditions:
Facioscapulohumeral muscular dystrophy 2 (FSHD2). Also called: MUSCULAR DYSTROPHY, FACIOSCAPULOHUMERAL, TYPE 1B; FACIOSCAPULOHUMERAL MUSCULAR DYSTROPHY 2, DIGENIC; FSHD2, DIGENIC. Identifiers: Orphanet 269, MedGen C1834671, MONDO:0008031, OMIM 158901.

Allele frequency attached by ClinVar (database versions not stated): gnomAD 0.00001; 1000 Genomes Project 30x 0.00016.
gnomAD v4.1: 1 of 1,613,486 alleles (0.000062%); highest among the groups gnomAD compares: South Asian, 0.0011%; no homozygotes.

Submissions (2):

Labcorp Genetics (formerly Invitae), Labcorp
Classification: Uncertain significance for Facioscapulohumeral muscular dystrophy 2. Last evaluated: 2023-11-07. Review status: criteria provided, single submitter. Criteria: Invitae Variant Classification Sherloc (09022015). Collection method: clinical testing. Allele origin: germline.
Comment: This sequence change replaces aspartic acid, which is acidic and polar, with glycine, which is neutral and non-polar, at codon 435 of the SMCHD1 protein (p.Asp435Gly). This variant is not present in population databases (gnomAD no frequency). This variant has not been reported in the literature in individuals affected with SMCHD1-related conditions. ClinVar contains an entry for this variant (Variation ID: 1721125). Advanced modeling of protein sequence and biophysical properties (such as structural, functional, and spatial information, amino acid conservation, physicochemical variation, residue mobility, and thermodynamic stability) performed at Invitae indicates that this missense variant is not expected to disrupt SMCHD1 protein function with a negative predictive value of 80%. In summary, the available evidence is currently insufficient to determine the role of this variant in disease. Therefore, it has been classified as a Variant of Uncertain Significance.

GeneDx
Classification: Uncertain significance. Last evaluated: 2022-07-28. Review status: criteria provided, single submitter. Criteria: GeneDx Variant Classification Process June 2021. Collection method: clinical testing. Allele origin: germline. Affected: yes.
Comment: Not observed at significant frequency in large population cohorts (gnomAD); In silico analysis suggests this variant may impact gene splicing. In the absence of RNA/functional studies, the actual effect of this sequence change is unknown.; In silico analysis supports that this missense variant does not alter protein structure/function; Has not been previously published as pathogenic or benign to our knowledge